The following is an entry in ClinVar:

ClinVar aggregate classification (germline): Uncertain significance. Review status: criteria provided, multiple submitters, no conflicts (2 of 4 stars). 2 submissions from 2 submitters: Uncertain significance (2). Last evaluated 2025-08-22.

Conditions:
Transcobalamin I deficiency (TCN1D). Also called: TCN1 DEFICIENCY; COBALAMIN PSEUDODEFICIENCY DUE TO TRANSCOBALAMIN DEFICIENCY; COBALAMIN R BINDER PROTEIN DEFICIENCY. Identifiers: Orphanet 2967, MedGen C0342700, MONDO:0008659, OMIM 193090.

Allele frequency attached by ClinVar (database versions not stated): gnomAD exomes 0.00017 and 0.00024; ExAC 0.00018; ESP Exome Variant Server 0.00023; gnomAD 0.00026 and 0.00027; TOPMed 0.00031; 1000 Genomes Project 30x 0.00078; 1000 Genomes Project 0.00100.

Submissions (2):

Ambry Genetics
Classification: Uncertain significance. Last evaluated: 2025-08-22. Review status: criteria provided, single submitter. Criteria: Ambry Variant Classification Scheme 2023. Collection method: clinical testing. Allele origin: germline.

Labcorp Genetics (formerly Invitae), Labcorp
Classification: Uncertain significance for Transcobalamin I deficiency. Last evaluated: 2024-10-17. Review status: criteria provided, single submitter. Criteria: Invitae Variant Classification Sherloc (09022015). Collection method: clinical testing. Allele origin: germline.
Comment: This sequence change replaces aspartic acid, which is acidic and polar, with asparagine, which is neutral and polar, at codon 120 of the TCN1 protein (p.Asp120Asn). This variant is present in population databases (rs80072840, gnomAD 0.07%). This variant has not been reported in the literature in individuals affected with TCN1-related conditions. ClinVar contains an entry for this variant (Variation ID: 1005971). An algorithm developed to predict the effect of missense changes on protein structure and function outputs the following: PolyPhen-2: "Benign". The asparagine amino acid residue is found in multiple mammalian species, which suggests that this missense change does not adversely affect protein function. In summary, the available evidence is currently insufficient to determine the role of this variant in disease. Therefore, it has been classified as a Variant of Uncertain Significance.

NM_001062.4(TCN1):c.358G>A (p.Asp120Asn)

Gene: TCN1 (transcobalamin 1; minus strand). Cytogenetic location: 11q12.1.
Variant type: single nucleotide variant.
Coding change: c.358G>A on transcript NM_001062.4 (MANE Select); coding-DNA position 358, G replaced by A.
Protein change: p.Asp120Asn; replaces aspartic acid 120 with asparagine.
Molecular consequence: missense variant.
Genome position (GRCh38, 1-based): chr11:59,862,624, C>T on the plus strand (G>A on the coding strand, the complement: TCN1 is on the minus strand). VCF-style: chr11-59862624-C-T. GRCh37 (hg19) VCF-style: chr11-59630097-C-T.
Other names: c.358G>A (NM_001062.3); short protein forms D120N.
Identifiers: ClinVar variation 1005971 (VCV001005971.8), dbSNP rs80072840, ClinGen allele CA6022046.
Genomic context (GRCh38, chr11:59,862,624, plus strand): 5'-TAAATATTTAATTCTTACCCATATTTTCAATTTCTGCTTGGAATTTATTTTCTAGCTTGT[C>T]GATCAGGTGGTAATCATATATTAAGTTTTCCTCAGCGTTACGACATACTCCCAAAGCCAG-3'
Protein context (NP_001053.2, residues 110-130): ENLIYDYHLI[Asp120Asn]KLENKFQAEI